The following is an entry in ClinVar:

ClinVar aggregate classification (germline): Benign/Likely benign. Review status: criteria provided, multiple submitters, no conflicts (2 of 4 stars). 2 submissions from 2 submitters: Benign (1); Likely benign (1). Last evaluated 2025-03-16.

Conditions:
Familial cancer of breast. Also called: BREAST CANCER, FAMILIAL; Hereditary breast cancer; hereditary breast carcinoma. Identifiers: Orphanet 227535, MedGen C0346153, MONDO:0016419, OMIM 114480. Disease mechanism: loss of function.

Allele frequency attached by ClinVar (database versions not stated): TOPMed below 0.00001; gnomAD 0.00001.
gnomAD v4.1: 1 of 1,594,116 alleles (0.000063%); highest among the groups gnomAD compares: Non-Finnish European, 0.000085%; no homozygotes.

Submissions (2):

Labcorp Genetics (formerly Invitae), Labcorp
Classification: Likely benign for Familial cancer of breast. Last evaluated: 2025-03-16. Review status: criteria provided, single submitter. Criteria: Invitae Variant Classification Sherloc (09022015). Collection method: clinical testing. Allele origin: germline.

Myriad Genetics, Inc.
Classification: Benign for Familial cancer of breast. Last evaluated: 2024-07-22. Review status: criteria provided, single submitter. Criteria: Myriad Autosomal Dominant, Autosomal Recessive and X-Linked Classification Criteria (2023). Collection method: clinical testing. Allele origin: unknown.
Comment: This variant is considered benign. This variant is a silent/synonymous amino acid change and it is not expected to impact splicing.

NM_000465.4(BARD1):c.645C>T (p.Asn215=)

Gene: BARD1 (BRCA1 associated RING domain 1; minus strand). Cytogenetic location: 2q35.
Variant type: single nucleotide variant.
Coding change: c.645C>T on transcript NM_000465.4 (MANE Select); coding-DNA position 645, C replaced by T.
Protein change: p.Asn215=; no amino-acid change (asparagine 215 retained).
Molecular consequence: synonymous variant. On other transcripts: non-coding transcript variant (2), intron variant (3).
Genome position (GRCh38, 1-based): chr2:214,781,229, G>A on the plus strand (C>T on the coding strand, the complement: BARD1 is on the minus strand). VCF-style: chr2-214781229-G-A. GRCh37 (hg19) VCF-style: chr2-215645953-G-A.
Other names: c.588C>T, p.Asn196= (NM_001282543.2); c.158+28183C>T (NM_001282548.2); c.215+15832C>T (NM_001282545.2); c.364+11068C>T (NM_001282549.2).
Identifiers: ClinVar variation 2798343 (VCV002798343.4), dbSNP rs1328709218, ClinGen allele CA431391579.